The following is an entry in ClinVar:

ClinVar aggregate classification (germline): Benign/Likely benign. Review status: criteria provided, multiple submitters, no conflicts (2 of 4 stars). 3 submissions from 3 submitters: Benign (1); Likely benign (2). Last evaluated 2026-01-07.

Conditions:
COG7 congenital disorder of glycosylation (CDG2E). Also called: CONGENITAL DISORDER OF GLYCOSYLATION, TYPE IIe; CDG IIe. Identifiers: Orphanet 79333, MedGen C2931010, MONDO:0012118, OMIM 608779.

Allele frequency attached by ClinVar (database versions not stated): TOPMed 0.00008; 1000 Genomes Project 30x 0.00016; gnomAD 0.00016 and 0.00020; ExAC 0.00044; gnomAD exomes 0.00056.
gnomAD v4.1: 486 of 1,587,256 alleles (0.031%); highest among the groups gnomAD compares: South Asian, 0.14%; 4 homozygotes.

Submissions (3):

Labcorp Genetics (formerly Invitae), Labcorp
Classification: Benign for COG7 congenital disorder of glycosylation. Last evaluated: 2026-01-07. Review status: criteria provided, single submitter. Criteria: Invitae Variant Classification Sherloc (09022015). Collection method: clinical testing. Allele origin: germline.

Fulgent Genetics
Classification: Likely benign for COG7 congenital disorder of glycosylation. Last evaluated: 2022-04-24. Review status: criteria provided, single submitter. Criteria: ACMG Guidelines, 2015. Collection method: clinical testing. Allele origin: unknown.

GeneDx
Classification: Likely benign. Last evaluated: 2017-01-20. Review status: criteria provided, single submitter. Criteria: GeneDx Variant Classification (06012015). Collection method: clinical testing. Allele origin: germline. Affected: yes.
Comment: This variant is considered likely benign or benign based on one or more of the following criteria: it is a conservative change, it occurs at a poorly conserved position in the protein, it is predicted to be benign by multiple in silico algorithms, and/or has population frequency not consistent with disease.

NM_153603.4(COG7):c.811-14C>G

Gene: COG7 (component of oligomeric golgi complex 7; minus strand). Cytogenetic location: 16p12.2.
Variant type: single nucleotide variant.
Coding change: c.811-14C>G on transcript NM_153603.4 (MANE Select); 14 bases into the intron before coding-DNA position 811, C replaced by G.
Molecular consequence: intron variant.
Genome position (GRCh38, 1-based): chr16:23,424,961, G>C on the plus strand (C>G on the coding strand, the complement: COG7 is on the minus strand). VCF-style: chr16-23424961-G-C. GRCh37 (hg19) VCF-style: chr16-23436282-G-C.
Identifiers: ClinVar variation 506826 (VCV000506826.10), dbSNP rs545654100, ClinGen allele CA7961173.